The following is an entry in ClinVar:

NM_020638.3(FGF23):c.*998C>G

Gene: FGF23 (fibroblast growth factor 23; minus strand). Cytogenetic location: 12p13.32.
Variant type: single nucleotide variant.
Coding change: c.*998C>G on transcript NM_020638.3 (MANE Select); 998 bases downstream of the stop codon, C replaced by G.
Molecular consequence: 3 prime UTR variant.
Genome position (GRCh38, 1-based): chr12:4,369,345, G>C on the plus strand (C>G on the coding strand, the complement: FGF23 is on the minus strand). VCF-style: chr12-4369345-G-C. GRCh37 (hg19) VCF-style: chr12-4478511-G-C.
Identifiers: ClinVar variation 308784 (VCV000308784.5), dbSNP rs71583766, ClinGen allele CA10632769.
Genomic context (GRCh38, chr12:4,369,345, plus strand): 5'-AAAGGACACGATTTTTCAGTCCACAGAAAACCTAACCCAGAGCAGTCCCAGTCTCTCAAA[G>C]CCCCCTTCCCAGTCACATTTTTGTAGTTTGTTCAGAATGGATTCCTACTCAACCTGGAAG-3'

ClinVar aggregate classification (germline): Likely benign. Review status: criteria provided, single submitter (1 of 4 stars). 2 submissions from 1 submitter: Likely benign (2). Last evaluated 2017-04-28.

Conditions:
Autosomal dominant hypophosphatemic rickets (ADHR). Also called: HYPOPHOSPHATEMIA, AUTOSOMAL DOMINANT; VITAMIN D-RESISTANT RICKETS, AUTOSOMAL DOMINANT. Identifiers: Orphanet 89937, MedGen C0342642, MONDO:0008660, OMIM 193100.
Tumoral calcinosis, hyperphosphatemic, familial, 2. Identifiers: MedGen C4693863, MONDO:0060714, OMIM 617993.

Allele frequency attached by ClinVar (database versions not stated): TOPMed 0.00014; gnomAD 0.00017 and 0.00019; 1000 Genomes Project 0.00040; 1000 Genomes Project 30x 0.00047.
gnomAD v4.1: 47 of 231,660 alleles (0.02%); highest among the groups gnomAD compares: Middle Eastern, 0.13%; no homozygotes.

Submissions (2):

Illumina Laboratory Services, Illumina
Classification: Likely benign for Tumoral calcinosis, hyperphosphatemic, familial, 2. Last evaluated: 2017-04-28. Review status: criteria provided, single submitter. Criteria: ICSL Variant Classification Criteria 13 December 2019. Collection method: clinical testing. Allele origin: germline.
Comment: This variant was observed as part of a predisposition screen in an ostensibly healthy population. A literature search was performed for the gene, cDNA change, and amino acid change (where applicable). No publications were found based on this search. Allele frequency data from public databases allowed determination this variant is unlikely to cause disease. Therefore, this variant is classified as likely benign.

Illumina Laboratory Services, Illumina
Classification: Likely benign for Autosomal dominant hypophosphatemic rickets. Last evaluated: 2017-04-28. Review status: criteria provided, single submitter. Criteria: ICSL Variant Classification Criteria 13 December 2019. Collection method: clinical testing. Allele origin: germline.
Comment: This variant was observed as part of a predisposition screen in an ostensibly healthy population. A literature search was performed for the gene, cDNA change, and amino acid change (where applicable). Publications were found based on this search. The evidence from the literature, in combination with allele frequency data from public databases where available, was sufficient to determine this variant is unlikely to cause disease. Therefore, this variant is classified as likely benign.

Literature cited by the submitters: PubMed 25445451.